The following is an entry in ClinVar:

NM_005529.7(HSPG2):c.8489G>A (p.Arg2830His)

Gene: HSPG2 (heparan sulfate proteoglycan 2; minus strand). Cytogenetic location: 1p36.12.
Variant type: single nucleotide variant.
Coding change: c.8489G>A on transcript NM_005529.7 (MANE Select); coding-DNA position 8489, G replaced by A.
Protein change: p.Arg2830His; replaces arginine 2830 with histidine.
Molecular consequence: missense variant.
Genome position (GRCh38, 1-based): chr1:21,844,275, C>T on the plus strand (G>A on the coding strand, the complement: HSPG2 is on the minus strand). VCF-style: chr1-21844275-C-T. GRCh37 (hg19) VCF-style: chr1-22170768-C-T.
Other names: c.8492G>A, p.Arg2831His (NM_001291860.2); short protein forms R2830H, R2831H.
Identifiers: ClinVar variation 2395282 (VCV002395282.6), dbSNP rs745930896, ClinGen allele CA670759.

ClinVar aggregate classification (germline): Uncertain significance. Review status: criteria provided, multiple submitters, no conflicts (2 of 4 stars). 3 submissions from 3 submitters: Uncertain significance (3). Last evaluated 2025-06-16.

Conditions:
Inborn genetic diseases. Identifiers: MedGen C0950123, MeSH D030342.

Allele frequency attached by ClinVar (database versions not stated): ExAC 0.00002; gnomAD 0.00003; TOPMed 0.00003.
gnomAD v4.1: 76 of 1,613,236 alleles (0.0047%); highest among the groups gnomAD compares: South Asian, 0.032%; 1 homozygote.

Submissions (3):

Labcorp Genetics (formerly Invitae), Labcorp
Classification: Uncertain significance. Last evaluated: 2025-06-16. Review status: criteria provided, single submitter. Criteria: Invitae Variant Classification Sherloc (09022015). Collection method: clinical testing. Allele origin: germline.
Comment: This sequence change replaces arginine, which is basic and polar, with histidine, which is basic and polar, at codon 2830 of the HSPG2 protein (p.Arg2830His). This variant is present in population databases (rs745930896, gnomAD 0.03%). This variant has not been reported in the literature in individuals affected with HSPG2-related conditions. ClinVar contains an entry for this variant (Variation ID: 2395282). An algorithm developed to predict the effect of missense changes on protein structure and function (PolyPhen-2) suggests that this variant is likely to be tolerated. In summary, the available evidence is currently insufficient to determine the role of this variant in disease. Therefore, it has been classified as a Variant of Uncertain Significance.

Ambry Genetics
Classification: Uncertain significance for Inborn genetic diseases. Last evaluated: 2021-12-07. Review status: criteria provided, single submitter. Criteria: Ambry Variant Classification Scheme 2023. Collection method: clinical testing. Allele origin: germline.

Revvity Omics, Revvity
Classification: Uncertain significance. Last evaluated: 2019-07-03. Review status: criteria provided, single submitter. Criteria: ACMG Guidelines, 2015. Collection method: clinical testing. Allele origin: germline.